The following is an entry in ClinVar:

NM_000443.4(ABCB4):c.1823T>C (p.Ile608Thr)

Gene: ABCB4 (ATP binding cassette subfamily B member 4; minus strand). Cytogenetic location: 7q21.12.
Variant type: single nucleotide variant.
Coding change: c.1823T>C on transcript NM_000443.4 (MANE Select); coding-DNA position 1823, T replaced by C.
Protein change: p.Ile608Thr; replaces isoleucine 608 with threonine.
Molecular consequence: missense variant.
Genome position (GRCh38, 1-based): chr7:87,431,474, A>G on the plus strand (T>C on the coding strand, the complement: ABCB4 is on the minus strand). VCF-style: chr7-87431474-A-G. GRCh37 (hg19) VCF-style: chr7-87060790-A-G.
Other names: c.1823T>C, p.Ile608Thr (NM_018849.3, NM_018850.3); short protein forms I608T.
Identifiers: ClinVar variation 4719371 (VCV004719371.1).

ClinVar aggregate classification (germline): Uncertain significance (1 of 4 stars; one submission).

Submission:

Labcorp Genetics (formerly Invitae), Labcorp
Classification: Uncertain significance. Last evaluated: 2025-05-27. Review status: criteria provided, single submitter. Criteria: Invitae Variant Classification Sherloc (09022015). Collection method: clinical testing. Allele origin: germline.
Comment: This sequence change replaces isoleucine, which is neutral and non-polar, with threonine, which is neutral and polar, at codon 608 of the ABCB4 protein (p.Ile608Thr). This variant is not present in population databases (gnomAD no frequency). This variant has not been reported in the literature in individuals affected with ABCB4-related conditions. Invitae Evidence Modeling of protein sequence and biophysical properties (such as structural, functional, and spatial information, amino acid conservation, physicochemical variation, residue mobility, and thermodynamic stability) has been performed for this missense variant. However, the output from this modeling did not meet the statistical confidence thresholds required to predict the impact of this variant on ABCB4 protein function. In summary, the available evidence is currently insufficient to determine the role of this variant in disease. Therefore, it has been classified as a Variant of Uncertain Significance.